The following is an entry in ClinVar:

ClinVar aggregate classification (germline): Uncertain significance (1 of 4 stars; one submission).

Submission:

Labcorp Genetics (formerly Invitae), Labcorp
Classification: Uncertain significance. Last evaluated: 2026-01-04. Review status: criteria provided, single submitter. Criteria: Invitae Variant Classification Sherloc (09022015). Collection method: clinical testing. Allele origin: germline.
Comment: This sequence change replaces proline, which is neutral and non-polar, with threonine, which is neutral and polar, at codon 41 of the KMT2A protein (p.Pro41Thr). The frequency data for this variant in the population databases is considered unreliable, as metrics indicate insufficient coverage at this position in the gnomAD database. This variant has not been reported in the literature in individuals affected with KMT2A-related conditions. ClinVar contains an entry for this variant (Variation ID: 3634293). Invitae Evidence Modeling of protein sequence and biophysical properties (such as structural, functional, and spatial information, amino acid conservation, physicochemical variation, residue mobility, and thermodynamic stability) has been performed for this missense variant. However, the output from this modeling did not meet the statistical confidence thresholds required to predict the impact of this variant on KMT2A protein function. In summary, the available evidence is currently insufficient to determine the role of this variant in disease. Therefore, it has been classified as a Variant of Uncertain Significance.

NM_001197104.2(KMT2A):c.121C>A (p.Pro41Thr)

Gene: KMT2A (lysine methyltransferase 2A; plus strand). Cytogenetic location: 11q23.3.
Variant type: single nucleotide variant.
Coding change: c.121C>A on transcript NM_001197104.2 (MANE Select); coding-DNA position 121, C replaced by A.
Protein change: p.Pro41Thr; replaces proline 41 with threonine.
Molecular consequence: missense variant.
Genome position (GRCh38, 1-based): chr11:118,436,633, C>A. VCF-style: chr11-118436633-C-A. GRCh37 (hg19) VCF-style: chr11-118307348-C-A.
Other names: c.121C>A, p.Pro41Thr (NM_001412597.1, NM_005933.4); short protein forms P41T.
Identifiers: ClinVar variation 3634293 (VCV003634293.2).
Genomic context (GRCh38, chr11:118,436,633, plus strand): 5'-GGCGGGGGGCGCCGGGGCCTAGGGGGCGCCCCGCGGCAACGCGTCCCGGCCCTGCTGCTT[C>A]CCCCCGGGCCCCCGGTCGGCGGTGGCGGCCCCGGGGCGCCCCCCTCCCCCCCGGCTGTGG-3'
Protein context (NP_001184033.1, residues 31-51): PRQRVPALLL[Pro41Thr]PGPPVGGGGP